The following is an entry in ClinVar:

ClinVar aggregate classification (germline): Uncertain significance (1 of 4 stars; one submission).

Allele frequency attached by ClinVar (database versions not stated): gnomAD exomes below 0.00001.
gnomAD v4.1: 2 of 1,614,248 alleles (0.00012%); highest among the groups gnomAD compares: Non-Finnish European, 0.00017%; no homozygotes.

Submission:

Women's Health and Genetics/Laboratory Corporation of America, LabCorp
Classification: Uncertain significance. Last evaluated: 2024-02-07. Review status: criteria provided, single submitter. Criteria: LabCorp Variant Classification Summary - May 2015. Collection method: clinical testing. Allele origin: germline.
Comment: Variant summary: ITGA2B c.1570G>A (p.Ala524Thr) results in a non-conservative amino acid change in the encoded protein sequence. Three of five in-silico tools predict a damaging effect of the variant on protein function. The variant was absent in 251472 control chromosomes (gnomAD). The available data on variant occurrences in the general population are insufficient to allow any conclusion about variant significance. To our knowledge, no occurrence of c.1570G>A in individuals affected with ITGA2B-Related Disorders and no experimental evidence demonstrating its impact on protein function have been reported. No submitters have cited clinical-significance assessments for this variant to ClinVar. Based on the evidence outlined above, the variant was classified as uncertain significance.

NM_000419.5(ITGA2B):c.1570G>A (p.Ala524Thr)

Gene: ITGA2B (integrin subunit alpha 2b; minus strand). Cytogenetic location: 17q21.31.
Variant type: single nucleotide variant.
Coding change: c.1570G>A on transcript NM_000419.5 (MANE Select); coding-DNA position 1570, G replaced by A.
Protein change: p.Ala524Thr; replaces alanine 524 with threonine.
Molecular consequence: missense variant.
Genome position (GRCh38, 1-based): chr17:44,380,276, C>T on the plus strand (G>A on the coding strand, the complement: ITGA2B is on the minus strand). VCF-style: chr17-44380276-C-T. GRCh37 (hg19) VCF-style: chr17-42457644-C-T.
Other names: short protein forms A524T.
Identifiers: ClinVar variation 3068872 (VCV003068872.2), dbSNP rs2048583404, ClinGen allele CA399802525.